The following is an entry in ClinVar:

ClinVar aggregate classification (germline): Conflicting classifications of pathogenicity. Review status: criteria provided, conflicting classifications (1 of 4 stars). 3 submissions from 3 submitters: Pathogenic (2); Uncertain significance (1). Last evaluated 2024-02-21.

Conditions:
Congenital anomalies of kidney and urinary tract syndrome with or without hearing loss, abnormal ears, or developmental delay. Also called: Congenital Anomalies of the Kidney and Urinary Tract syndrome with or without Hearing Loss, Abnormal Ears, or Developmental Delay. Identifiers: Orphanet 656130, MedGen C4539968, MONDO:0060549, OMIM 617641.

Submissions (3):

GeneDx
Classification: Pathogenic. Last evaluated: 2024-02-21. Review status: criteria provided, single submitter. Criteria: GeneDx Variant Classification Process June 2021. Collection method: clinical testing. Allele origin: germline. Affected: yes.
Comment: Not observed at significant frequency in large population cohorts (gnomAD); In silico analysis supports that this missense variant has a deleterious effect on protein structure/function; This variant is associated with the following publications: (PMID: 29966037)

Genetics and Molecular Pathology, SA Pathology
Classification: Pathogenic for Congenital anomalies of kidney and urinary tract syndrome with or without hearing loss, abnormal ears, or developmental delay. Last evaluated: 2022-02-19. Review status: criteria provided, single submitter. Criteria: ACMG Guidelines, 2015. Collection method: clinical testing. Allele origin: germline. Inheritance: Autosomal dominant inheritance. Affected: yes.
Comment: The PBX1 c.700C>T variant is classified as PATHOGENIC (PS4_Supporting, PS3_Moderate, PS2, PM1, PM2, PP3) The PBX1 c.700C>T variant is a single nucleotide change in exon 4/9 of the PBX1 gene, which is predicted to change the amino acid arginine at position 234 in the protein to tryptophan. This position is located in a splice region. The variant has been reported in one patient with congenital diaphragmatic hernia (CDH) in the literature (PMID:29966037) (PS4_Supporting). This variant is absent from population databases (PM2). Another pathogenic variant was detected at the same amino acid position (Arg234Pro) in a patient with patent ductus arteriosus, unilateral pyelocaliectasis, increased renal echogenicity and wide neck/nuchal fold; functional studies demonstrated reduced transactivation activity of the mutant allele compared to wildtype (PMID: 29036646) (PS3_moderate). Computational predictions support a deleterious effect on the gene or gene product (PP3). The variant is located within the homeobox domain which is an important functional domain and intolerant of benign variation (PM1). The variant has been reported in dbSNP (rs1218945005). The variant has not been reported in ClinVar to date.

Revvity Omics, Revvity
Classification: Uncertain significance for Congenital anomalies of kidney and urinary tract syndrome with or without hearing loss, abnormal ears, or developmental delay. Last evaluated: 2019-10-11. Review status: criteria provided, single submitter. Criteria: ACMG Guidelines, 2015. Collection method: clinical testing. Allele origin: germline.

Literature cited by the submitters: PubMed 29036646 (cited by Genetics and Molecular Pathology, SA Pathology); PubMed 29966037 (cited by Genetics and Molecular Pathology, SA Pathology).

NM_002585.4(PBX1):c.700C>T (p.Arg234Trp)

Gene: PBX1 (PBX homeobox 1; plus strand). Cytogenetic location: 1q23.3.
Variant type: single nucleotide variant.
Coding change: c.700C>T on transcript NM_002585.4 (MANE Select); coding-DNA position 700, C replaced by T.
Protein change: p.Arg234Trp; replaces arginine 234 with tryptophan.
Molecular consequence: missense variant.
Genome position (GRCh38, 1-based): chr1:164,799,888, C>T. VCF-style: chr1-164799888-C-T. GRCh37 (hg19) VCF-style: chr1-164769125-C-T.
Other names: c.700C>T (NM_002585.3); c.700C>T, p.Arg234Trp (NM_001204961.2, NM_001204963.2, NM_001353131.2); c.451C>T, p.Arg151Trp (NM_001353130.1); short protein forms R151W, R234W.
Identifiers: ClinVar variation 1698904 (VCV001698904.6), dbSNP rs1218945005, ClinGen allele CA343471117.